The following is an entry in ClinVar:

ClinVar aggregate classification (germline): Uncertain significance (1 of 4 stars; one submission).

Conditions:
POLD1-related polyposis and colorectal cancer syndrome (CRCS10). Also called: COLORECTAL CANCER, SUSCEPTIBILITY TO, ON CHROMOSOME 19q; Colorectal cancer 10; Colorectal cancer, susceptibility to, 10. Identifiers: Orphanet 220460, MedGen C2675481, MONDO:0012953, OMIM 612591.

Submission:

Labcorp Genetics (formerly Invitae), Labcorp
Classification: Uncertain significance for POLD1-related polyposis and colorectal cancer syndrome. Last evaluated: 2022-08-31. Review status: criteria provided, single submitter. Criteria: Invitae Variant Classification Sherloc (09022015). Collection method: clinical testing. Allele origin: germline.
Comment: This sequence change replaces phenylalanine, which is neutral and non-polar, with leucine, which is neutral and non-polar, at codon 1005 of the POLD1 protein (p.Phe1005Leu). This variant is not present in population databases (gnomAD no frequency). This variant has not been reported in the literature in individuals affected with POLD1-related conditions. Algorithms developed to predict the effect of missense changes on protein structure and function are either unavailable or do not agree on the potential impact of this missense change (SIFT: "Deleterious"; PolyPhen-2: "Probably Damaging"; Align-GVGD: "Class C0"). In summary, the available evidence is currently insufficient to determine the role of this variant in disease. Therefore, it has been classified as a Variant of Uncertain Significance.

NM_002691.4(POLD1):c.3013T>C (p.Phe1005Leu)

Gene: POLD1 (DNA polymerase delta 1, catalytic subunit; plus strand). Cytogenetic location: 19q13.33.
Variant type: single nucleotide variant.
Coding change: c.3013T>C on transcript NM_002691.4 (MANE Select); coding-DNA position 3013, T replaced by C.
Protein change: p.Phe1005Leu; replaces phenylalanine 1005 with leucine.
Molecular consequence: missense variant. On other transcripts: non-coding transcript variant (1).
Genome position (GRCh38, 1-based): chr19:50,416,669, T>C. VCF-style: chr19-50416669-T-C. GRCh37 (hg19) VCF-style: chr19-50919926-T-C.
Other names: c.3013T>C, p.Phe1005Leu (NM_001256849.1); c.3091T>C, p.Phe1031Leu (NM_001308632.1); short protein forms F1005L, F1031L.
Identifiers: ClinVar variation 1718421 (VCV001718421.5), dbSNP rs2122497051, ClinGen allele CA406986919.